The following is an entry in ClinVar:

NM_016239.4(MYO15A):c.7657T>A (p.Ser2553Thr)

Gene: MYO15A (myosin XVA; plus strand). Cytogenetic location: 17p11.2.
Variant type: single nucleotide variant.
Coding change: c.7657T>A on transcript NM_016239.4 (MANE Select); coding-DNA position 7657, T replaced by A.
Protein change: p.Ser2553Thr; replaces serine 2553 with threonine.
Molecular consequence: missense variant.
Genome position (GRCh38, 1-based): chr17:18,151,397, T>A. VCF-style: chr17-18151397-T-A. GRCh37 (hg19) VCF-style: chr17-18054711-T-A.
Other names: short protein forms S2553T.
Identifiers: ClinVar variation 1803571 (VCV001803571.1), dbSNP rs2046579626, ClinGen allele CA398619583.

ClinVar aggregate classification (germline): Uncertain significance (1 of 4 stars; one submission).

gnomAD v4.1: 4 of 1,614,118 alleles (0.00025%); highest among the groups gnomAD compares: Non-Finnish European, 0.00034%; no homozygotes.

Submission:

GeneDx
Classification: Uncertain significance. Last evaluated: 2022-06-07. Review status: criteria provided, single submitter. Criteria: GeneDx Variant Classification Process June 2021. Collection method: clinical testing. Allele origin: germline. Affected: yes.
Comment: Not observed at significant frequency in large population cohorts (gnomAD); In silico analysis supports that this missense variant does not alter protein structure/function; Has not been previously published as pathogenic or benign to our knowledge